The following is an entry in ClinVar:

ClinVar aggregate classification (germline): Uncertain significance. Review status: criteria provided, multiple submitters, no conflicts (2 of 4 stars). 2 submissions from 2 submitters: Uncertain significance (2). Last evaluated 2025-06-18.

Conditions:
Hypertrophic cardiomyopathy. Also called: HYPERTROPHIC MYOCARDIOPATHY. Identifiers: Orphanet 217569, MedGen C0007194, MeSH D002312, MONDO:0005045, HP:0001639.

Allele frequency attached by ClinVar (database versions not stated): gnomAD 0.00004; ExAC 0.00005; TOPMed 0.00006; ESP Exome Variant Server 0.00008; gnomAD exomes 0.00004 and 0.00002.

Submissions (2):

Ambry Genetics
Classification: Uncertain significance. Last evaluated: 2025-06-18. Review status: criteria provided, single submitter. Criteria: Ambry Variant Classification Scheme 2023. Collection method: clinical testing. Allele origin: germline.

Labcorp Genetics (formerly Invitae), Labcorp
Classification: Uncertain significance for Hypertrophic cardiomyopathy. Last evaluated: 2025-05-18. Review status: criteria provided, single submitter. Criteria: Invitae Variant Classification Sherloc (09022015). Collection method: clinical testing. Allele origin: germline.
Comment: This sequence change replaces methionine, which is neutral and non-polar, with threonine, which is neutral and polar, at codon 1305 of the MYOM1 protein (p.Met1305Thr). This variant is present in population databases (rs376804166, gnomAD 0.01%). This variant has not been reported in the literature in individuals affected with MYOM1-related conditions. ClinVar contains an entry for this variant (Variation ID: 581247). Invitae Evidence Modeling of protein sequence and biophysical properties (such as structural, functional, and spatial information, amino acid conservation, physicochemical variation, residue mobility, and thermodynamic stability) indicates that this missense variant is expected to disrupt MYOM1 protein function with a positive predictive value of 80%. In summary, the available evidence is currently insufficient to determine the role of this variant in disease. Therefore, it has been classified as a Variant of Uncertain Significance.

NM_003803.4(MYOM1):c.3914T>C (p.Met1305Thr)

Gene: MYOM1 (myomesin 1; minus strand). Cytogenetic location: 18p11.31.
Variant type: single nucleotide variant.
Coding change: c.3914T>C on transcript NM_003803.4 (MANE Select); coding-DNA position 3914, T replaced by C.
Protein change: p.Met1305Thr; replaces methionine 1305 with threonine.
Molecular consequence: missense variant.
Genome position (GRCh38, 1-based): chr18:3,090,753, A>G on the plus strand (T>C on the coding strand, the complement: MYOM1 is on the minus strand). VCF-style: chr18-3090753-A-G. GRCh37 (hg19) VCF-style: chr18-3090751-A-G.
Other names: c.3626T>C, p.Met1209Thr (NM_019856.2); short protein forms M1305T, M1209T.
Identifiers: ClinVar variation 581247 (VCV000581247.11), dbSNP rs376804166, ClinGen allele CA8874121.